The following is an entry in ClinVar:

NM_003482.4(KMT2D):c.7360C>A (p.Pro2454Thr)

Gene: KMT2D (lysine methyltransferase 2D; minus strand). Cytogenetic location: 12q13.12.
Variant type: single nucleotide variant.
Coding change: c.7360C>A on transcript NM_003482.4 (MANE Select); coding-DNA position 7360, C replaced by A.
Protein change: p.Pro2454Thr; replaces proline 2454 with threonine.
Molecular consequence: missense variant.
Genome position (GRCh38, 1-based): chr12:49,040,410, G>T on the plus strand (C>A on the coding strand, the complement: KMT2D is on the minus strand). VCF-style: chr12-49040410-G-T. GRCh37 (hg19) VCF-style: chr12-49434193-G-T.
Other names: short protein forms P2454T.
Identifiers: ClinVar variation 1721679 (VCV001721679.5), dbSNP rs1943454214, ClinGen allele CA384747860.

ClinVar aggregate classification (germline): Uncertain significance (1 of 4 stars; one submission).

Conditions:
Kabuki syndrome. Also called: NIIKAWA-KUROKI SYNDROME; Kabuki make-up syndrome. Identifiers: Orphanet 2322, MedGen C0796004, MONDO:0016512.

Submission:

Labcorp Genetics (formerly Invitae), Labcorp
Classification: Uncertain significance for Kabuki syndrome. Last evaluated: 2022-10-17. Review status: criteria provided, single submitter. Criteria: Invitae Variant Classification Sherloc (09022015). Collection method: clinical testing. Allele origin: germline.
Comment: In summary, the available evidence is currently insufficient to determine the role of this variant in disease. Therefore, it has been classified as a Variant of Uncertain Significance. Advanced modeling of protein sequence and biophysical properties (such as structural, functional, and spatial information, amino acid conservation, physicochemical variation, residue mobility, and thermodynamic stability) performed at Invitae indicates that this missense variant is not expected to disrupt KMT2D protein function. This variant has not been reported in the literature in individuals affected with KMT2D-related conditions. This variant is not present in population databases (gnomAD no frequency). This sequence change replaces proline, which is neutral and non-polar, with threonine, which is neutral and polar, at codon 2454 of the KMT2D protein (p.Pro2454Thr).